The following is an entry in ClinVar:

NM_020919.4(ALS2):c.2630G>A (p.Cys877Tyr)

Gene: ALS2 (alsin Rho guanine nucleotide exchange factor ALS2; minus strand). Cytogenetic location: 2q33.1.
Variant type: single nucleotide variant.
Coding change: c.2630G>A on transcript NM_020919.4 (MANE Select); coding-DNA position 2630, G replaced by A.
Protein change: p.Cys877Tyr; replaces cysteine 877 with tyrosine.
Molecular consequence: missense variant.
Genome position (GRCh38, 1-based): chr2:201,729,134, C>T on the plus strand (G>A on the coding strand, the complement: ALS2 is on the minus strand). VCF-style: chr2-201729134-C-T. GRCh37 (hg19) VCF-style: chr2-202593857-C-T.
Other names: short protein forms C877Y.
Identifiers: ClinVar variation 1355142 (VCV001355142.6), dbSNP rs1691380417, ClinGen allele CA350323186.
Genomic context (GRCh38, chr2:201,729,134, plus strand): 5'-TTCCAGAAGCCCAGTGTGTATTCTGCTTCCTTCCTTTTCCTGCCGAGATGGAGAGCAAGA[C>T]ACTCATAACAAGAACTGGAATCCTGCAGTTTCTGATATTCTGGAGATGCCTACAGGGCAA-3'
Protein context (NP_065970.2, residues 867-887): KLQDSSSCYE[Cys877Tyr]LALHLGRKRK

ClinVar aggregate classification (germline): Uncertain significance (1 of 4 stars; one submission).

Conditions:
Infantile-onset ascending hereditary spastic paralysis (IAHSP). Also called: Infantile-Onset Ascending Hereditary Spastic Paralysis (IAHSP); Autosomal Recessive Juvenile Amyotrophic Lateral Sclerosis. Identifiers: Orphanet 293168, MedGen C2931441, MONDO:0011797, OMIM 607225. Disease mechanism: loss of function.

Allele frequency attached by ClinVar (database versions not stated): gnomAD exomes below 0.00001.
gnomAD v4.1: 1 of 1,613,376 alleles (0.000062%); highest among the groups gnomAD compares: Non-Finnish European, 0.000085%; no homozygotes.

Submission:

Labcorp Genetics (formerly Invitae), Labcorp
Classification: Uncertain significance for Infantile-onset ascending hereditary spastic paralysis. Last evaluated: 2021-11-10. Review status: criteria provided, single submitter. Criteria: Invitae Variant Classification Sherloc (09022015). Collection method: clinical testing. Allele origin: germline.
Comment: This sequence change replaces cysteine, which is neutral and slightly polar, with tyrosine, which is neutral and polar, at codon 877 of the ALS2 protein (p.Cys877Tyr). This variant is not present in population databases (gnomAD no frequency). This variant has not been reported in the literature in individuals affected with ALS2-related conditions. Algorithms developed to predict the effect of missense changes on protein structure and function are either unavailable or do not agree on the potential impact of this missense change (SIFT: "Deleterious"; PolyPhen-2: "Benign"; Align-GVGD: "Class C0"). In summary, the available evidence is currently insufficient to determine the role of this variant in disease. Therefore, it has been classified as a Variant of Uncertain Significance.